The following is an entry in ClinVar:

NM_001352186.2(ANKS1B):c.2624A>T (p.Lys875Met)

Gene: ANKS1B (ankyrin repeat and sterile alpha motif domain containing 1B; minus strand). Cytogenetic location: 12q23.1.
Variant type: single nucleotide variant.
Coding change: c.2624A>T on transcript NM_001352186.2 (MANE Select); coding-DNA position 2624, A replaced by T.
Protein change: p.Lys875Met; replaces lysine 875 with methionine.
Molecular consequence: missense variant.
Genome position (GRCh38, 1-based): chr12:99,084,926, T>A on the plus strand (A>T on the coding strand, the complement: ANKS1B is on the minus strand). VCF-style: chr12-99084926-T-A. GRCh37 (hg19) VCF-style: chr12-99478704-T-A.
Other names: c.131A>T, p.Lys44Met (NM_001204066.2, NM_001352191.2, NM_001352192.2 and 1 more transcripts); c.209A>T, p.Lys70Met (NM_001204067.2, NM_001352189.1, NM_001352190.1); c.302A>T, p.Lys101Met (NM_001204068.2, NM_001204069.2, NM_001204070.2 and 15 more transcripts); c.2624A>T, p.Lys875Met (NM_001352185.1, NM_001352187.1, NM_001352188.1 and 1 more transcripts); short protein forms K101M, K44M, K70M, K875M.
Identifiers: ClinVar variation 4882811 (VCV004882811.2).

ClinVar aggregate classification (germline): Uncertain significance (1 of 4 stars; one submission).

gnomAD v4.1: 1 of 1,607,486 alleles (0.000062%); no homozygotes.

Submission:

Dasa
Classification: Uncertain significance. Last evaluated: 2025-04-05. Review status: criteria provided, single submitter. Criteria: DASA Assertion Criteria. Collection method: clinical testing. Allele origin: germline.
Comment: NM_001352186.2(ANKS1B):c.2624A>T (p.Lys875Met) is a missense variant that results in the substitution of lysine with methionine. This variant is rare in population databases. The currently available literature and clinical evidence are not sufficient to establish a definitive association between this variant and the reported condition. Therefore, this variant is classified as a variant of uncertain significance.